The following is an entry in ClinVar:

ClinVar aggregate classification (germline): Uncertain significance. Review status: criteria provided, multiple submitters, no conflicts (2 of 4 stars). 2 submissions from 2 submitters: Uncertain significance (2). Last evaluated 2024-10-14.

Conditions:
Hematuria, benign familial, 1 (BFH1). Also called: THIN MEMBRANE NEPHROPATHY. Identifiers: MedGen CN376803, MONDO:0007709, OMIM 141200.
Autosomal recessive Alport syndrome (ATS2). Also called: COL4A4 Alport Syndrome and Thin Basement Membrane Nephropathy; ALPORT SYNDROME 2, AUTOSOMAL RECESSIVE; COL4A3-Related Nephropathy; Alport syndrome type 2. Identifiers: Orphanet 63, Orphanet 88919, MedGen C4746745, MONDO:0008762, OMIM 203780.
COL4A4-related disorder.

Allele frequency attached by ClinVar (database versions not stated): gnomAD 0.00001; gnomAD exomes 0.00001; TOPMed 0.00002.
gnomAD v4.1: 12 of 1,614,014 alleles (0.00074%); highest among the groups gnomAD compares: Non-Finnish European, 0.001%; no homozygotes.

Submissions (2):

PreventionGenetics, part of Exact Sciences
Classification: Uncertain significance for COL4A4-related condition. Last evaluated: 2024-10-14. Review status: criteria provided, single submitter. Criteria: ACMG Guidelines, 2015. Collection method: clinical testing. Allele origin: germline.
Comment: The COL4A4 c.3730G>A variant is predicted to result in the amino acid substitution p.Ala1244Thr. To our knowledge, this variant has not been reported in the literature. This variant is reported in 3 alleles out of 249468 alleles in gnomAD. At this time, the clinical significance of this variant is uncertain due to the absence of conclusive functional and genetic evidence.

Fulgent Genetics
Classification: Uncertain significance for Hematuria, benign familial, 1; Autosomal recessive Alport syndrome. Last evaluated: 2024-06-11. Review status: criteria provided, single submitter. Criteria: ACMG Guidelines, 2015. Collection method: clinical testing. Allele origin: germline.

NM_000092.5(COL4A4):c.3730G>A (p.Ala1244Thr)

Gene: COL4A4 (collagen type IV alpha 4 chain; minus strand). Cytogenetic location: 2q36.3.
Variant type: single nucleotide variant.
Coding change: c.3730G>A on transcript NM_000092.5 (MANE Select); coding-DNA position 3730, G replaced by A.
Protein change: p.Ala1244Thr; replaces alanine 1244 with threonine.
Molecular consequence: missense variant.
Genome position (GRCh38, 1-based): chr2:227,032,032, C>T on the plus strand (G>A on the coding strand, the complement: COL4A4 is on the minus strand). VCF-style: chr2-227032032-C-T. GRCh37 (hg19) VCF-style: chr2-227896748-C-T.
Other names: short protein forms A1244T.
Identifiers: ClinVar variation 2634259 (VCV002634259.3), dbSNP rs946603420, ClinGen allele CA66561639.
Genomic context (GRCh38, chr2:227,032,032, plus strand): 5'-CCTGATCTCCAGGTGGACCCGGGTCAGGAATGTCCTTAGGAGCTCTTCCTGTGGCACCTG[C>T]AGGACCAGGTGGTCCTGAACTCCCTAAGAAGAGACATGTTCACATGTTATCCTCATTGCA-3'
Protein context (NP_000083.3, residues 1234-1254): PPGSSGPPGP[Ala1244Thr]GATGRAPKDI